The following is an entry in ClinVar:

ClinVar aggregate classification (germline): Likely benign. Review status: criteria provided, multiple submitters, no conflicts (2 of 4 stars). 3 submissions from 3 submitters: Likely benign (2). 1 of the submissions does not count toward it. Last evaluated 2024-11-28.

Conditions:
TTLL5-related disorder. Also called: TTLL5-related condition.

Allele frequency attached by ClinVar (database versions not stated): gnomAD 0.00017 and 0.00020; gnomAD exomes 0.00024; ExAC 0.00027; TOPMed 0.00037.
gnomAD v4.1: 309 of 1,614,044 alleles (0.019%); highest among the groups gnomAD compares: Middle Eastern, 0.16%; no homozygotes.

Submissions (3):

Blueprint Genetics
Classification: Likely benign. Last evaluated: 2024-11-28. Review status: criteria provided, single submitter. Criteria: ACMG Guidelines, 2015. Collection method: clinical testing. Allele origin: germline.

Labcorp Genetics (formerly Invitae), Labcorp
Classification: Likely benign. Last evaluated: 2018-06-02. Review status: criteria provided, single submitter. Criteria: Invitae Variant Classification Sherloc (09022015). Collection method: clinical testing. Allele origin: germline.

PreventionGenetics, part of Exact Sciences
Classification: Likely benign for TTLL5-related condition. Last evaluated: 2019-05-09. Review status: no assertion criteria provided. Collection method: clinical testing. Allele origin: germline. Not counted in ClinVar's aggregate classification.
Comment: This variant is classified as likely benign based on ACMG/AMP sequence variant interpretation guidelines (Richards et al. 2015 PMID: 25741868, with internal and published modifications).

NM_015072.5(TTLL5):c.1187-7C>G

Gene: TTLL5 (tubulin tyrosine ligase like 5; plus strand). Cytogenetic location: 14q24.3.
Variant type: single nucleotide variant.
Coding change: c.1187-7C>G on transcript NM_015072.5 (MANE Select); 7 bases into the intron before coding-DNA position 1187, C replaced by G.
Molecular consequence: intron variant.
Genome position (GRCh38, 1-based): chr14:75,735,188, C>G. VCF-style: chr14-75735188-C-G. GRCh37 (hg19) VCF-style: chr14-76201531-C-G.
Identifiers: ClinVar variation 725007 (VCV000725007.6), dbSNP rs772006292, ClinGen allele CA7279284.